The following is an entry in ClinVar:

ClinVar aggregate classification (germline): Uncertain significance (1 of 4 stars; one submission).

Allele frequency attached by ClinVar (database versions not stated): gnomAD exomes 0.00001.
gnomAD v4.1: 24 of 1,613,042 alleles (0.0015%); highest among the groups gnomAD compares: Non-Finnish European, 0.0019%; no homozygotes.

Submission:

Labcorp Genetics (formerly Invitae), Labcorp
Classification: Uncertain significance. Last evaluated: 2025-05-26. Review status: criteria provided, single submitter. Criteria: Invitae Variant Classification Sherloc (09022015). Collection method: clinical testing. Allele origin: germline.
Comment: This sequence change replaces arginine, which is basic and polar, with proline, which is neutral and non-polar, at codon 8 of the PSMB4 protein (p.Arg8Pro). This variant is present in population databases (no rsID available, gnomAD 0.002%). This variant has not been reported in the literature in individuals affected with PSMB4-related conditions. ClinVar contains an entry for this variant (Variation ID: 1368324). An algorithm developed to predict the effect of missense changes on protein structure and function outputs the following: PolyPhen-2: "Benign". The proline amino acid residue is found in multiple mammalian species, which suggests that this missense change does not adversely affect protein function. In summary, the available evidence is currently insufficient to determine the role of this variant in disease. Therefore, it has been classified as a Variant of Uncertain Significance.

NM_002796.3(PSMB4):c.23G>C (p.Arg8Pro)

Gene: PSMB4 (proteasome 20S subunit beta 4; plus strand). Cytogenetic location: 1q21.3.
Variant type: single nucleotide variant.
Coding change: c.23G>C on transcript NM_002796.3 (MANE Select); coding-DNA position 23, G replaced by C.
Protein change: p.Arg8Pro; replaces arginine 8 with proline.
Molecular consequence: missense variant.
Genome position (GRCh38, 1-based): chr1:151,399,610, G>C. VCF-style: chr1-151399610-G-C. GRCh37 (hg19) VCF-style: chr1-151372086-G-C.
Other names: short protein forms R8P.
Identifiers: ClinVar variation 1368324 (VCV001368324.6), dbSNP rs1049463156, ClinGen allele CA29562867.